The following is an entry in ClinVar:

ClinVar aggregate classification (germline): Conflicting classifications of pathogenicity. Review status: criteria provided, conflicting classifications (1 of 4 stars). 8 submissions from 8 submitters: Uncertain significance (5); Likely benign (1). 2 of the submissions do not count toward it. Last evaluated 2026-01-14.

Conditions:
3 beta-Hydroxysteroid dehydrogenase deficiency. Also called: 3b-hydroxysteroid dehydrogenase deficiency; ADRENAL HYPERPLASIA, CONGENITAL, DUE TO 3-BETA-HYDROXYSTEROID DEHYDROGENASE 2 DEFICIENCY; 3-BETA-HSD DEFICIENCY; ADRENAL HYPERPLASIA II; Congenital adrenal hyperplasia due to 3-beta-hydroxysteroid dehydrogenase deficiency. Identifiers: Orphanet 90791, MedGen C0342471, MeSH C538236, MONDO:0008727, OMIM 201810. Disease mechanism: loss of function.
HSD3B2-related disorder. Also called: HSD3B2-related condition.

Allele frequency attached by ClinVar (database versions not stated): ExAC 0.00035; TOPMed 0.00038; 1000 Genomes Project 0.00040; gnomAD 0.00041 and 0.00042; gnomAD exomes 0.00046; 1000 Genomes Project 30x 0.00047; ESP Exome Variant Server 0.00054.
gnomAD v4.1: 1,131 of 1,614,118 alleles (0.07%); highest among the groups gnomAD compares: Non-Finnish European, 0.091%; 1 homozygote.

Submissions (8):

Labcorp Genetics (formerly Invitae), Labcorp
Classification: Likely benign. Last evaluated: 2026-01-14. Review status: criteria provided, single submitter. Criteria: Invitae Variant Classification Sherloc (09022015). Collection method: clinical testing. Allele origin: germline.

Women's Health and Genetics/Laboratory Corporation of America, LabCorp
Classification: Uncertain significance. Last evaluated: 2023-12-07. Review status: criteria provided, single submitter. Criteria: LabCorp Variant Classification Summary - May 2015. Collection method: clinical testing. Allele origin: germline.
Comment: Variant summary: HSD3B2 c.809T>C (p.Ile270Thr) results in a non-conservative amino acid change located in the 3-beta hydroxysteroid dehydrogenase/isomerase domain (IPR00225) of the encoded protein sequence. Four of five in-silico tools predict a benign effect of the variant on protein function. The variant allele was found at a frequency of 0.00046 in 251256 control chromosomes. This frequency is not significantly higher than estimated for a pathogenic variant in HSD3B2 causing Congenital Adrenal Hyperplasia (0.00046 vs 0.0013), allowing no conclusion about variant significance. c.809T>C has been reported in the literature in at least one individual affected with clinical features of Congenital Adrenal Hyperplasia. However, this report does not provide unequivocal conclusions about association of the variant with Congenital Adrenal Hyperplasia. To our knowledge, no experimental evidence demonstrating an impact on protein function has been reported. The following publication has been ascertained in the context of this evaluation (PMID: 30668521). Five submitters have cited clinical-significance assessments for this variant to ClinVar after 2014; all submitters classified the variant as uncertain significance. Based on the evidence outlined above, the variant was classified as uncertain significance.

CeGaT Center for Human Genetics Tuebingen
Classification: Uncertain significance. Last evaluated: 2022-11-01. Review status: criteria provided, single submitter. Criteria: CeGaT Center For Human Genetics Tuebingen Variant Classification Criteria Version 2. Collection method: clinical testing. Allele origin: germline. Affected: yes. Observed: 1 variant allele.
Comment: HSD3B2: PM2, BP4

Fulgent Genetics
Classification: Uncertain significance for 3 beta-Hydroxysteroid dehydrogenase deficiency. Last evaluated: 2022-04-27. Review status: criteria provided, single submitter. Criteria: ACMG Guidelines, 2015. Collection method: clinical testing. Allele origin: unknown.

Illumina Laboratory Services, Illumina
Classification: Uncertain significance for 3 beta-Hydroxysteroid dehydrogenase deficiency. Last evaluated: 2017-04-27. Review status: criteria provided, single submitter. Criteria: ICSL Variant Classification Criteria 13 December 2019. Collection method: clinical testing. Allele origin: germline.
Comment: This variant was observed as part of a predisposition screen in an ostensibly healthy population. A literature search was performed for the gene, cDNA change, and amino acid change (where applicable). Publications were found based on this search. However, the evidence from the literature, in combination with allele frequency data from public databases where available, was not sufficient to rule this variant in or out of causing disease. Therefore, this variant is classified as a variant of unknown significance.

Breakthrough Genomics
Classification: Uncertain significance. Review status: criteria provided, single submitter. Criteria: ACMG Guidelines, 2015. Collection method: not provided. Allele origin: germline. Inheritance: Autosomal recessive inheritance. Affected: yes.

PreventionGenetics, part of Exact Sciences
Classification: Uncertain significance for HSD3B2-related condition. Last evaluated: 2024-02-01. Review status: no assertion criteria provided. Collection method: clinical testing. Allele origin: germline. Not counted in ClinVar's aggregate classification.
Comment: The HSD3B2 c.809T>C variant is predicted to result in the amino acid substitution p.Ile270Thr. This variant was reported in an individual with hypogonadism in a disorder of sex development study, but the clinical significance was unknown (Hughes et al. 2019. PubMed ID: 30668521). This variant is reported in 0.084% of alleles in individuals of European (Non-Finnish) descent in gnomAD. At this time, the clinical significance of this variant is uncertain due to the absence of conclusive functional and genetic evidence.

Zotz-Klimas Genetics Lab, MVZ Zotz Klimas
Classification: Uncertain significance for 3 beta-Hydroxysteroid dehydrogenase deficiency. Last evaluated: 2023-11-24. Review status: no assertion criteria provided. Collection method: clinical testing. Allele origin: germline. Affected: yes. Not counted in ClinVar's aggregate classification.

Literature cited by the submitters: PubMed 30668521 (cited by Women's Health and Genetics/Laboratory Corporation of America, LabCorp); PubMed 26288759 (cited by Illumina Laboratory Services, Illumina).

NM_000198.4(HSD3B2):c.809T>C (p.Ile270Thr)

Gene: HSD3B2 (hydroxy-delta-5-steroid dehydrogenase, 3 beta- and steroid delta-isomerase 2; plus strand). Cytogenetic location: 1p12.
Variant type: single nucleotide variant.
Coding change: c.809T>C on transcript NM_000198.4 (MANE Select); coding-DNA position 809, T replaced by C.
Protein change: p.Ile270Thr; replaces isoleucine 270 with threonine.
Molecular consequence: missense variant.
Genome position (GRCh38, 1-based): chr1:119,422,310, T>C. VCF-style: chr1-119422310-T-C. GRCh37 (hg19) VCF-style: chr1-119964933-T-C.
Other names: c.809T>C, p.Ile270Thr (NM_001166120.2); short protein forms I270T.
Identifiers: ClinVar variation 874298 (VCV000874298.43), dbSNP rs75429891, ClinGen allele CA1036043.
Genomic context (GRCh38, chr1:119,422,310, plus strand): 5'-GTCAATTCTATTACATCTCAGATGACACGCCTCACCAAAGCTATGATAACCTTAATTACA[T>C]CCTGAGCAAAGAGTTTGGCCTCCGCCTTGATTCCAGATGGAGCCTTCCTTTAACCCTGAT-3'
Protein context (NP_000189.1, residues 260-280): PHQSYDNLNY[Ile270Thr]LSKEFGLRLD